The following is an entry in ClinVar:

ClinVar aggregate classification (germline): Benign. Review status: criteria provided, multiple submitters, no conflicts (2 of 4 stars). 2 submissions from 2 submitters: Benign (2). Last evaluated 2018-06-14.

Allele frequency attached by ClinVar (database versions not stated): gnomAD 0.02085; TOPMed 0.02090; 1000 Genomes Project 0.04054; 1000 Genomes Project 30x 0.04294.
gnomAD v4.1: 4,002 of 213,548 alleles (1.9%); highest among the groups gnomAD compares: South Asian, 8%; 113 homozygotes.

Submissions (2):

GeneDx
Classification: Benign. Last evaluated: 2018-06-14. Review status: criteria provided, single submitter. Criteria: GeneDx Variant Classification (06012015). Collection method: clinical testing. Allele origin: germline. Affected: yes.
Comment: This variant is considered likely benign or benign based on one or more of the following criteria: it is a conservative change, it occurs at a poorly conserved position in the protein, it is predicted to be benign by multiple in silico algorithms, and/or has population frequency not consistent with disease.

Breakthrough Genomics
Classification: Benign. Review status: criteria provided, single submitter. Criteria: ACMG Guidelines, 2015. Collection method: not provided. Allele origin: germline. Inheritance: Autosomal dominant inheritance. Affected: yes.

NM_030662.4(MAP2K2):c.-206G>T

Gene: MAP2K2 (mitogen-activated protein kinase kinase 2; minus strand). Cytogenetic location: 19p13.3.
Variant type: single nucleotide variant.
Coding change: c.-206G>T on transcript NM_030662.4 (MANE Select); 206 bases upstream of the start codon, G replaced by T.
Molecular consequence: 5 prime UTR variant.
Genome position (GRCh38, 1-based): chr19:4,124,081, C>A on the plus strand (G>T on the coding strand, the complement: MAP2K2 is on the minus strand). VCF-style: chr19-4124081-C-A. GRCh37 (hg19) VCF-style: chr19-4124078-C-A.
Identifiers: ClinVar variation 561378 (VCV000561378.2), dbSNP rs115202186, ClinGen allele CA304449427.